The following is an entry in ClinVar:

NM_001374259.2(IL12RB2):c.220G>T (p.Asp74Tyr)

Gene: IL12RB2 (interleukin 12 receptor subunit beta 2; plus strand). Cytogenetic location: 1p31.3.
Variant type: single nucleotide variant.
Coding change: c.220G>T on transcript NM_001374259.2 (MANE Select); coding-DNA position 220, G replaced by T.
Protein change: p.Asp74Tyr; replaces aspartic acid 74 with tyrosine.
Molecular consequence: missense variant. On other transcripts: non-coding transcript variant (2).
Genome position (GRCh38, 1-based): chr1:67,321,745, G>T. VCF-style: chr1-67321745-G-T. GRCh37 (hg19) VCF-style: chr1-67787428-G-T.
Other names: c.220G>T, p.Asp74Tyr (NM_001559.3, NM_001258214.1, NM_001258215.1 and 2 more transcripts); short protein forms D74Y.
Identifiers: ClinVar variation 2049488 (VCV002049488.5), dbSNP rs201695193, ClinGen allele CA900147.

ClinVar aggregate classification (germline): Uncertain significance (1 of 4 stars; one submission).

Allele frequency attached by ClinVar (database versions not stated): gnomAD 0.00005; 1000 Genomes Project 30x 0.00016; ExAC 0.00012; gnomAD exomes 0.00005; TOPMed 0.00005; 1000 Genomes Project 0.00020.
gnomAD v4.1: 78 of 1,613,184 alleles (0.0048%); highest among the groups gnomAD compares: East Asian, 0.12%; 1 homozygote.

Submissions (2):

Labcorp Genetics (formerly Invitae), Labcorp
Classification: Uncertain significance. Last evaluated: 2024-11-12. Review status: criteria provided, single submitter. Criteria: Invitae Variant Classification Sherloc (09022015). Collection method: clinical testing. Allele origin: germline.
Comment: This sequence change replaces aspartic acid, which is acidic and polar, with tyrosine, which is neutral and polar, at codon 74 of the IL12RB2 protein (p.Asp74Tyr). This variant is present in population databases (rs201695193, gnomAD 0.09%), and has an allele count higher than expected for a pathogenic variant. This variant has not been reported in the literature in individuals affected with IL12RB2-related conditions. ClinVar contains an entry for this variant (Variation ID: 2049488). An algorithm developed to predict the effect of missense changes on protein structure and function outputs the following: PolyPhen-2: "Benign". The tyrosine amino acid residue is found in multiple mammalian species, which suggests that this missense change does not adversely affect protein function. In summary, the available evidence is currently insufficient to determine the role of this variant in disease. Therefore, it has been classified as a Variant of Uncertain Significance.

Dr. Peter K. Rogan Lab, Western University
No classification provided (evidence only). Condition: Hepatocellular carcinoma. Review status: no classification provided. Collection method: in vitro. Allele origin: not applicable. Functional consequence: retained intron. Not counted in ClinVar's aggregate classification.